The following is an entry in ClinVar:

NM_004360.5(CDH1):c.1437T>C (p.Asp479=)

Gene: CDH1 (cadherin 1; plus strand). Cytogenetic location: 16q22.1.
Variant type: single nucleotide variant.
Coding change: c.1437T>C on transcript NM_004360.5 (MANE Select); coding-DNA position 1437, T replaced by C.
Protein change: p.Asp479=; no amino-acid change (aspartic acid 479 retained).
Molecular consequence: synonymous variant. On other transcripts: 5 prime UTR variant (2).
Genome position (GRCh38, 1-based): chr16:68,815,631, T>C. VCF-style: chr16-68815631-T-C. GRCh37 (hg19) VCF-style: chr16-68849534-T-C.
Other names: c.1254T>C, p.Asp418= (NM_001317184.2); c.-112T>C (NM_001317185.2); c.-383T>C (NM_001317186.2).
Identifiers: ClinVar variation 1049652 (VCV001049652.3), dbSNP rs2152134915, ClinGen allele CA496154032.

ClinVar aggregate classification (germline): Benign. Review status: criteria provided, single submitter (1 of 4 stars). 2 submissions from 2 submitters: Benign (1). 1 of the submissions does not count toward it. Last evaluated 2024-09-18.

Conditions:
Hereditary diffuse gastric adenocarcinoma (HDGC). Also called: DIFFUSE GASTRIC AND LOBULAR BREAST CANCER SYNDROME. Identifiers: Orphanet 26106, MedGen C1708349, MONDO:0007648, OMIM 137215.
Malignant tumor of breast. Also called: Malignant breast neoplasm; Cancer breast. Identifiers: MedGen C0006142, MONDO:0007254. Disease mechanism: loss of function.

Submissions (2):

Myriad Genetics, Inc.
Classification: Benign for Hereditary diffuse gastric adenocarcinoma. Last evaluated: 2024-09-18. Review status: criteria provided, single submitter. Criteria: Myriad Autosomal Dominant, Autosomal Recessive and X-Linked Classification Criteria (2023). Collection method: clinical testing. Allele origin: unknown.
Comment: This variant is considered benign. This variant is a silent/synonymous amino acid change and it is not expected to impact splicing.

Department of Pathology and Laboratory Medicine, Sinai Health System
Classification: Likely benign for Malignant tumor of breast. Review status: no assertion criteria provided. Collection method: clinical testing. Allele origin: unknown. Affected: yes. Observed: 1 variant allele. Study: The Canadian Open Genetics Repository (COGR). Not counted in ClinVar's aggregate classification.
Comment: The CDH1 p.Asp479= variant was not identified in the literature nor was it identified in the dbSNP, ClinVar, Cosmic, MutDB, LOVD 3.0, Zhejiang Colon Cancer Database, the 1000 Genomes Project, the NHLBI GO Exome Sequencing Project, the Exome Aggregation Consortium (August 8th 2016), or the Genome Aggregation Database (Feb 27, 2017). The p.Asp479= variant is not expected to have clinical significance because it does not result in a change of amino acid and is not located in a known consensus splice site. In addition, in silico or computational prediction software programs (SpliceSiteFinder, MaxEntScan, NNSPLICE, GeneSplicer, HumanSpliceFinder) do not predict a difference in splicing. In summary, based on the above information the clinical significance of this variant cannot be determined with certainty at this time although we would lean towards a more benign role for this variant. This variant is classified as likely benign.